The following is an entry in ClinVar:

ClinVar aggregate classification (germline): Uncertain significance. Review status: criteria provided, multiple submitters, no conflicts (2 of 4 stars). 2 submissions from 2 submitters: Uncertain significance (2). Last evaluated 2025-09-28.

Conditions:
Hereditary cancer-predisposing syndrome. Also called: Neoplastic Syndromes, Hereditary; Tumor predisposition; Hereditary Cancer Syndrome; Hereditary neoplastic syndrome. Identifiers: Orphanet 140162, MedGen C0027672, MeSH D009386, MONDO:0015356.

Submissions (2):

Ambry Genetics
Classification: Uncertain significance for Hereditary cancer-predisposing syndrome. Last evaluated: 2025-09-28. Review status: criteria provided, single submitter. Criteria: Ambry Variant Classification Scheme 2023. Collection method: clinical testing. Allele origin: germline.
Comment: The p.L769S variant (also known as c.2306T>C), located in coding exon 15 of the CDH1 gene, results from a T to C substitution at nucleotide position 2306. The leucine at codon 769 is replaced by serine, an amino acid with dissimilar properties. This amino acid position is highly conserved in available vertebrate species. In addition, this alteration is predicted to be deleterious by in silico analysis. Since supporting evidence is limited at this time, the clinical significance of this alteration remains unclear.

Color Diagnostics, LLC DBA Color Health
Classification: Uncertain significance for Hereditary cancer-predisposing syndrome. Last evaluated: 2024-03-06. Review status: criteria provided, single submitter. Criteria: ACMG Guidelines, 2015. Collection method: clinical testing. Allele origin: germline.
Comment: This missense variant replaces leucine with serine at codon 769 of the CDH1 protein. Computational prediction suggests that this variant may have deleterious impact on protein structure and function (internally defined REVEL score threshold >= 0.7, PMID: 27666373). Splice site prediction tools suggest that this variant may not impact RNA splicing. To our knowledge, functional studies have not been performed for this variant. This variant has not been reported in individuals affected with hereditary cancer in the literature. This variant has not been identified in the general population by the Genome Aggregation Database (gnomAD). The available evidence is insufficient to determine the role of this variant in disease conclusively. Therefore, this variant is classified as a Variant of Uncertain Significance.

NM_004360.5(CDH1):c.2306T>C (p.Leu769Ser)

Gene: CDH1 (cadherin 1; plus strand). Cytogenetic location: 16q22.1.
Variant type: single nucleotide variant.
Coding change: c.2306T>C on transcript NM_004360.5 (MANE Select); coding-DNA position 2306, T replaced by C.
Protein change: p.Leu769Ser; replaces leucine 769 with serine.
Molecular consequence: missense variant.
Genome position (GRCh38, 1-based): chr16:68,829,664, T>C. VCF-style: chr16-68829664-T-C. GRCh37 (hg19) VCF-style: chr16-68863567-T-C.
Other names: c.2123T>C, p.Leu708Ser (NM_001317184.2); c.758T>C, p.Leu253Ser (NM_001317185.2); c.341T>C, p.Leu114Ser (NM_001317186.2); short protein forms L708S, L769S, L114S, L253S.
Identifiers: ClinVar variation 923471 (VCV000923471.7), dbSNP rs1961424109, ClinGen allele CA396470770.